The following is an entry in ClinVar:

ClinVar aggregate classification (germline): Uncertain significance. Review status: criteria provided, multiple submitters, no conflicts (2 of 4 stars). 3 submissions from 3 submitters: Uncertain significance (3). Last evaluated 2025-02-26.

Conditions:
Progressive familial heart block type IB (PFHB1B). Identifiers: Orphanet 871, MedGen C1970298, MONDO:0011474, OMIM 604559.
Cardiovascular phenotype. Identifiers: MedGen CN230736.

Allele frequency attached by ClinVar (database versions not stated): ExAC 0.00003; TOPMed 0.00006; gnomAD 0.00005.

Submissions (3):

Labcorp Genetics (formerly Invitae), Labcorp
Classification: Uncertain significance for Progressive familial heart block type IB. Last evaluated: 2025-02-26. Review status: criteria provided, single submitter. Criteria: Invitae Variant Classification Sherloc (09022015). Collection method: clinical testing. Allele origin: germline.
Comment: This sequence change creates a premature translational stop signal (p.Arg334*) in the TRPM4 gene. It is expected to result in an absent or disrupted protein product. However, the current clinical and genetic evidence is not sufficient to establish whether loss-of-function variants in TRPM4 cause disease. This variant is present in population databases (rs750176955, gnomAD 0.006%). This premature translational stop signal has been observed in individual(s) with atrial fibrillation (PMID: 34495297). ClinVar contains an entry for this variant (Variation ID: 1739894). In summary, the available evidence is currently insufficient to determine the role of this variant in disease. Therefore, it has been classified as a Variant of Uncertain Significance.

Ambry Genetics
Classification: Uncertain significance for Cardiovascular phenotype. Last evaluated: 2024-12-23. Review status: criteria provided, single submitter. Criteria: Ambry Variant Classification Scheme 2023. Collection method: clinical testing. Allele origin: germline.
Comment: The p.R334* variant (also known as c.1000C>T), located in coding exon 8 of the TRPM4 gene, results from a C to T substitution at nucleotide position 1000. This changes the amino acid from an arginine to a stop codon within coding exon 8. This variant has been reported in an atrial fibrillation cohort; however, clinical details were limited (Yoneda ZT et al. JAMA Cardiol, 2021 Dec;6:1371-1379). This alteration is expected to result in loss of function by premature protein truncation or nonsense-mediated mRNA decay. However, loss of function of TRPM4 has not been established as a mechanism of disease. Since supporting evidence is limited at this time, the clinical significance of this alteration remains unclear.

GeneDx
Classification: Uncertain significance. Last evaluated: 2024-02-03. Review status: criteria provided, single submitter. Criteria: GeneDx Variant Classification Process June 2021. Collection method: clinical testing. Allele origin: germline. Affected: yes.
Comment: Identified in a cohort of individuals with early onset atrial fibrillation; however specific patient information was not provided (PMID: 34495297); Nonsense variant predicted to result in protein truncation or nonsense mediated decay in a gene or region of a gene for which loss of function is not a well-established mechanism of disease; Not observed at significant frequency in large population cohorts (gnomAD); This variant is associated with the following publications: (PMID: 34495297)

Literature cited by the submitters: PubMed 34495297 (cited by Labcorp Genetics (formerly Invitae), Labcorp and Ambry Genetics).

NM_017636.4(TRPM4):c.1000C>T (p.Arg334Ter)

Gene: TRPM4 (transient receptor potential cation channel subfamily M member 4; plus strand). Cytogenetic location: 19q13.33.
Variant type: single nucleotide variant.
Coding change: c.1000C>T on transcript NM_017636.4 (MANE Select); coding-DNA position 1000, C replaced by T.
Protein change: p.Arg334Ter; replaces arginine 334 with a stop codon.
Molecular consequence: nonsense. On other transcripts: 5 prime UTR variant (1).
Genome position (GRCh38, 1-based): chr19:49,171,719, C>T. VCF-style: chr19-49171719-C-T. GRCh37 (hg19) VCF-style: chr19-49674976-C-T.
Other names: c.1000C>T, p.Arg334Ter (NM_001195227.2); c.655C>T, p.Arg219Ter (NM_001321281.2); c.-554C>T (NM_001321282.2); c.478C>T, p.Arg160Ter (NM_001321283.2); c.151C>T, p.Arg51Ter (NM_001321285.2); short protein forms R334*, R219*, R51*, R160*.
Identifiers: ClinVar variation 1739894 (VCV001739894.6), dbSNP rs750176955, ClinGen allele CA9569036.